The following is an entry in ClinVar:

NM_001048174.2(MUTYH):c.113A>C (p.Asp38Ala)

Gene: MUTYH (mutY DNA glycosylase; minus strand). Cytogenetic location: 1p34.1.
Variant type: single nucleotide variant.
Coding change: c.113A>C on transcript NM_001048174.2 (MANE Select); coding-DNA position 113, A replaced by C.
Protein change: p.Asp38Ala; replaces aspartic acid 38 with alanine.
Molecular consequence: missense variant. On other transcripts: 5 prime UTR variant (7), non-coding transcript variant (7).
Genome position (GRCh38, 1-based): chr1:45,334,393, T>G on the plus strand (A>C on the coding strand, the complement: MUTYH is on the minus strand). VCF-style: chr1-45334393-T-G. GRCh37 (hg19) VCF-style: chr1-45800065-T-G.
Other names: c.113A>C, p.Asp38Ala (NM_001048171.2, NM_001048172.2, NM_001048173.2 and 15 more transcripts); c.155A>C, p.Asp52Ala (NM_001128425.2, NM_001293190.2, NM_001407069.1 and 2 more transcripts); c.-100A>C (NM_001293192.2, NM_001293196.2, NM_001407091.1); c.-159A>C (NM_001350650.2); c.-95A>C (NM_001350651.2, NM_001407082.1); c.-44A>C (NM_001407075.1); c.131A>C, p.Asp44Ala (NM_001407087.1); short protein forms D44A, D38A, D52A.
Identifiers: ClinVar variation 4113361 (VCV004113361.1).

ClinVar aggregate classification (germline): Uncertain significance (1 of 4 stars; one submission).

Conditions:
Hereditary cancer-predisposing syndrome. Also called: Tumor predisposition; Neoplastic Syndromes, Hereditary; Hereditary neoplastic syndrome; Hereditary Cancer Syndrome. Identifiers: Orphanet 140162, MedGen C0027672, MeSH D009386, MONDO:0015356.

Submission:

Ambry Genetics
Classification: Uncertain significance for Hereditary cancer-predisposing syndrome. Last evaluated: 2025-08-27. Review status: criteria provided, single submitter. Criteria: Ambry Variant Classification Scheme 2023. Collection method: clinical testing. Allele origin: germline.
Comment: The p.D52A variant (also known as c.155A>C), located in coding exon 2 of the MUTYH gene, results from an A to C substitution at nucleotide position 155. The aspartic acid at codon 52 is replaced by alanine, an amino acid with dissimilar properties. This amino acid position is conserved. In addition, this alteration is predicted to be tolerated by in silico analysis. Based on the available evidence, the clinical significance of this variant remains unclear.